The following is an entry in ClinVar:

ClinVar aggregate classification (germline): Uncertain significance. Review status: criteria provided, multiple submitters, no conflicts (2 of 4 stars). 3 submissions from 3 submitters: Uncertain significance (3). Last evaluated 2025-11-18.

Conditions:
Hereditary cancer-predisposing syndrome. Also called: Neoplastic Syndromes, Hereditary; Tumor predisposition; Hereditary Cancer Syndrome; Hereditary neoplastic syndrome. Identifiers: Orphanet 140162, MedGen C0027672, MeSH D009386, MONDO:0015356.
Familial adenomatous polyposis 1 (FAP1). Also called: FAMILIAL ADENOMATOUS POLYPOSIS 1, ATTENUATED; POLYPOSIS, ADENOMATOUS INTESTINAL. Identifiers: MedGen C2713442, MONDO:0021056, OMIM 175100. Disease mechanism: loss of function.

Allele frequency attached by ClinVar (database versions not stated): gnomAD exomes 0.00001.
gnomAD v4.1: 13 of 1,614,140 alleles (0.00081%); highest among the groups gnomAD compares: Non-Finnish European, 0.0011%; no homozygotes.

Submissions (3):

Labcorp Genetics (formerly Invitae), Labcorp
Classification: Uncertain significance for Familial adenomatous polyposis 1. Last evaluated: 2025-11-18. Review status: criteria provided, single submitter. Criteria: Invitae Variant Classification Sherloc (09022015). Collection method: clinical testing. Allele origin: germline.
Comment: This sequence change replaces cysteine, which is neutral and slightly polar, with tyrosine, which is neutral and polar, at codon 1263 of the APC protein (p.Cys1263Tyr). This variant is not present in population databases (gnomAD no frequency). This variant has not been reported in the literature in individuals affected with APC-related conditions. ClinVar contains an entry for this variant (Variation ID: 482269). Invitae Evidence Modeling of protein sequence and biophysical properties (such as structural, functional, and spatial information, amino acid conservation, physicochemical variation, residue mobility, and thermodynamic stability) indicates that this missense variant is not expected to disrupt APC protein function with a negative predictive value of 95%. In summary, the available evidence is currently insufficient to determine the role of this variant in disease. Therefore, it has been classified as a Variant of Uncertain Significance.

GeneDx
Classification: Uncertain significance. Last evaluated: 2025-08-06. Review status: criteria provided, single submitter. Criteria: GeneDx Variant Classification Process June 2021. Collection method: clinical testing. Allele origin: germline. Affected: yes.
Comment: Not observed at significant frequency in large population cohorts (gnomAD); In silico analysis supports that this missense variant has a deleterious effect on protein structure/function; Has not been previously published as pathogenic or benign to our knowledge; This variant is associated with the following publications: (PMID: 18199528)

Ambry Genetics
Classification: Uncertain significance for Hereditary cancer-predisposing syndrome. Last evaluated: 2024-06-06. Review status: criteria provided, single submitter. Criteria: Ambry Variant Classification Scheme 2023. Collection method: clinical testing. Allele origin: germline.
Comment: The p.C1263Y variant (also known as c.3788G>A), located in coding exon 15 of the APC gene, results from a G to A substitution at nucleotide position 3788. The cysteine at codon 1263 is replaced by tyrosine, an amino acid with highly dissimilar properties. This variant was not reported in population based cohorts in the following databases: Database of Single Nucleotide Polymorphisms (dbSNP), NHLBI Exome Sequencing Project (ESP), and 1000 Genomes Project. In the ESP, this variant was not observed in 6502 samples (13004 alleles) with coverage at this position. To date, this alteration has been detected with an allele frequency of approximately 0.003% (greater than 90000 alleles tested) in our clinical cohort. This amino acid position is highly conserved in available vertebrate species. In addition, in silico predictors for this gene do not accurately predict pathogenicity. Since supporting evidence is limited at this time, the clinical significance of this alteration remains unclear.

NM_000038.6(APC):c.3788G>A (p.Cys1263Tyr)

Gene: APC (APC regulator of Wnt signaling pathway; plus strand). Cytogenetic location: 5q22.2.
Variant type: single nucleotide variant.
Coding change: c.3788G>A on transcript NM_000038.6 (MANE Select); coding-DNA position 3788, G replaced by A.
Protein change: p.Cys1263Tyr; replaces cysteine 1263 with tyrosine.
Molecular consequence: missense variant.
Genome position (GRCh38, 1-based): chr5:112,839,382, G>A. VCF-style: chr5-112839382-G-A. GRCh37 (hg19) VCF-style: chr5-112175079-G-A.
Other names: c.3788G>A, p.Cys1263Tyr (NM_001127510.3, NM_001354895.2); c.3734G>A, p.Cys1245Tyr (NM_001127511.3); c.3842G>A, p.Cys1281Tyr (NM_001354896.2); c.3818G>A, p.Cys1273Tyr (NM_001354897.2); c.3713G>A, p.Cys1238Tyr (NM_001354898.2); c.3704G>A, p.Cys1235Tyr (NM_001354899.2); c.3665G>A, p.Cys1222Tyr (NM_001354900.2); c.3611G>A, p.Cys1204Tyr (NM_001354901.2); and 5 more; short protein forms C1245Y, C1263Y, C1162Y, C1172Y, C1204Y, C1235Y, C980Y, C1137Y.
Identifiers: ClinVar variation 482269 (VCV000482269.16), dbSNP rs1554085309, ClinGen allele CA16029640.